The following is an entry in ClinVar:

ClinVar aggregate classification (germline): Uncertain significance. Review status: criteria provided, multiple submitters, no conflicts (2 of 4 stars). 3 submissions from 3 submitters: Uncertain significance (3). Last evaluated 2025-04-17.

Conditions:
Inborn genetic diseases. Identifiers: MedGen C0950123, MeSH D030342.

Allele frequency attached by ClinVar (database versions not stated): ExAC 0.00001; gnomAD 0.00001; gnomAD exomes 0.00001; TOPMed 0.00001.
gnomAD v4.1: 12 of 1,613,772 alleles (0.00074%); highest among the groups gnomAD compares: Non-Finnish European, 0.001%; no homozygotes.

Submissions (3):

Labcorp Genetics (formerly Invitae), Labcorp
Classification: Uncertain significance. Last evaluated: 2025-04-17. Review status: criteria provided, single submitter. Criteria: Invitae Variant Classification Sherloc (09022015). Collection method: clinical testing. Allele origin: germline.
Comment: This sequence change replaces leucine, which is neutral and non-polar, with valine, which is neutral and non-polar, at codon 312 of the LRP5 protein (p.Leu312Val). This variant is present in population databases (rs780154174, gnomAD 0.003%). This variant has not been reported in the literature in individuals affected with LRP5-related conditions. ClinVar contains an entry for this variant (Variation ID: 1969850). Invitae Evidence Modeling of protein sequence and biophysical properties (such as structural, functional, and spatial information, amino acid conservation, physicochemical variation, residue mobility, and thermodynamic stability) has been performed for this missense variant. However, the output from this modeling did not meet the statistical confidence thresholds required to predict the impact of this variant on LRP5 protein function. In summary, the available evidence is currently insufficient to determine the role of this variant in disease. Therefore, it has been classified as a Variant of Uncertain Significance.

Blueprint Genetics
Classification: Uncertain significance. Last evaluated: 2024-06-17. Review status: criteria provided, single submitter. Criteria: ACMG Guidelines, 2015. Collection method: clinical testing. Allele origin: germline.

Ambry Genetics
Classification: Uncertain significance for Inborn genetic diseases. Last evaluated: 2023-09-12. Review status: criteria provided, single submitter. Criteria: Ambry Variant Classification Scheme 2023. Collection method: clinical testing. Allele origin: germline.

NM_002335.4(LRP5):c.934C>G (p.Leu312Val)

Gene: LRP5 (LDL receptor related protein 5; plus strand). Cytogenetic location: 11q13.2.
Variant type: single nucleotide variant.
Coding change: c.934C>G on transcript NM_002335.4 (MANE Select); coding-DNA position 934, C replaced by G.
Protein change: p.Leu312Val; replaces leucine 312 with valine.
Molecular consequence: missense variant. On other transcripts: 5 prime UTR variant (1).
Genome position (GRCh38, 1-based): chr11:68,365,621, C>G. VCF-style: chr11-68365621-C-G. GRCh37 (hg19) VCF-style: chr11-68133089-C-G.
Other names: c.-832C>G (NM_001291902.2); c.934C>G (NM_002335.2); short protein forms L312V.
Identifiers: ClinVar variation 1969850 (VCV001969850.8), dbSNP rs780154174, ClinGen allele CA6149166.
Genomic context (GRCh38, chr11:68,365,621, plus strand): 5'-GTTTTCTCAGTCCACACTCGCTGTGAGGAGGACAATGGCGGCTGCTCCCACCTGTGCCTG[C>G]TGTCCCCAAGCGAGCCTTTCTACACATGCGCCTGCCCCACGGGTGTGCAGCTGCAGGACA-3'
Protein context (NP_002326.2, residues 302-322): DNGGCSHLCL[Leu312Val]SPSEPFYTCA